The following is an entry in ClinVar:

ClinVar aggregate classification (germline): Uncertain significance. Review status: criteria provided, multiple submitters, no conflicts (2 of 4 stars). 3 submissions from 3 submitters: Uncertain significance (3). Last evaluated 2026-09-01.

Conditions:
Hypophosphatasia. Also called: Phosphoethanol-aminuria. Identifiers: Orphanet 436, MedGen C0020630, MeSH D007014, MONDO:0018570.

Allele frequency attached by ClinVar (database versions not stated): TOPMed below 0.00001; gnomAD exomes 0.00001.
gnomAD v4.1: 17 of 1,608,692 alleles (0.0011%); highest among the groups gnomAD compares: Non-Finnish European, 0.0014%; no homozygotes.

Submissions (3):

Genomenon, Inc
Classification: Uncertain significance for Hypophosphatasia. Last evaluated: 2026-09-01. Review status: criteria provided, single submitter. Criteria: Genomenon Sequence Variant Interpretation Standards - Updated. Collection method: curation. Allele origin: germline. Affected: yes.
Comment: ALPL p.Asp156Tyr (c.466G>T) is a missense variant that changes the amino acid at codon 156 from Aspartic acid to Tyrosine. This variant has been observed in at least one proband affected with an ALPL-related disorder (PMID:29236161). Functional studies have been reported (PMID:37422472;40386289). It is absent or not present at a significant frequency in gnomAD. In silico models agree that this variant is possibly or probably damaging. In conclusion, we classify ALPL p.Asp156Tyr (c.466G>T) as a variant of uncertain significance.

Women's Health and Genetics/Laboratory Corporation of America, LabCorp
Classification: Uncertain significance. Last evaluated: 2025-12-04. Review status: criteria provided, single submitter. Criteria: LabCorp Variant Classification Summary - May 2015. Collection method: clinical testing. Allele origin: germline.
Comment: Variant summary: ALPL c.466G>T (p.Asp156Tyr) results in a non-conservative amino acid change in the encoded protein sequence. Algorithms developed to predict the effect of missense changes on protein structure and function all suggest that this variant is likely to be disruptive. The variant allele was found at a frequency of 4e-06 in 247252 control chromosomes (gnomAD). c.466G>T has been observed in an individual affected with Hypophosphatasia, Autosomal Dominant (Taillandier_2010). These data do not allow any conclusion about variant significance. At least one publication reports experimental evidence evaluating an impact on protein function. The most pronounced variant effect results in 10%-<30% of normal activity (Yu_2023). The following publications have been ascertained in the context of this evaluation (PMID: 29236161, 37422472). ClinVar contains an entry for this variant (Variation ID: 2664471). Based on the evidence outlined above, the variant was classified as VUS-possibly pathogenic.

JKU Lab, Dept of Paediatrics, Johannes Kepler University
Classification: Uncertain significance for Hypophosphatasia. Last evaluated: 2022-07-20. Review status: criteria provided, single submitter. Criteria: ACMG Guidelines, 2015. Collection method: clinical testing. Allele origin: germline. Affected: yes. Observed: 1 heterozygote.
Comment: The GnomaD frequency is 0.00080889% (ALL), 0.0018029% (NFE). The ACMG criteria applied and the results of the functional study can be looked up on the ALPL Gene Variant Database.

Literature cited by the submitters: PubMed 29236161 (cited by 3 submitters); PubMed 37422472 (cited by Genomenon, Inc and Women's Health and Genetics/Laboratory Corporation of America, LabCorp); PubMed 40386289 (cited by Genomenon, Inc).

NM_000478.6(ALPL):c.466G>T (p.Asp156Tyr)

Gene: ALPL (alkaline phosphatase, biomineralization associated; plus strand). Cytogenetic location: 1p36.12.
Variant type: single nucleotide variant.
Coding change: c.466G>T on transcript NM_000478.6 (MANE Select); coding-DNA position 466, G replaced by T.
Protein change: p.Asp156Tyr; replaces aspartic acid 156 with tyrosine.
Molecular consequence: missense variant.
Genome position (GRCh38, 1-based): chr1:21,563,278, G>T. VCF-style: chr1-21563278-G-T. GRCh37 (hg19) VCF-style: chr1-21889771-G-T.
Other names: c.301G>T, p.Asp101Tyr (NM_001127501.4); c.235G>T, p.Asp79Tyr (NM_001177520.3); c.466G>T, p.Asp156Tyr (NM_001369803.2, NM_001369804.2, NM_001369805.2); short protein forms D101Y, D156Y, D79Y.
Identifiers: ClinVar variation 2664471 (VCV002664471.4), dbSNP rs1397418141, ClinGen allele CA338877391.